The following is an entry in ClinVar:

NM_001374828.1(ARID1B):c.6407G>A (p.Trp2136Ter)

Gene: ARID1B (AT-rich interaction domain 1B; plus strand). Cytogenetic location: 6q25.3.
Variant type: single nucleotide variant.
Coding change: c.6407G>A on transcript NM_001374828.1 (MANE Select); coding-DNA position 6407, G replaced by A.
Protein change: p.Trp2136Ter; replaces tryptophan 2136 with a stop codon.
Molecular consequence: nonsense.
Genome position (GRCh38, 1-based): chr6:157,207,179, G>A. VCF-style: chr6-157207179-G-A. GRCh37 (hg19) VCF-style: chr6-157528313-G-A.
Other names: c.6038G>A, p.Trp2013Ter (NM_020732.3); c.5825G>A, p.Trp1942Ter (NM_175863.2); c.6158G>A, p.Trp2053Ter (NM_001346813.1); c.3908G>A, p.Trp1303Ter (NM_001363725.2); c.6287G>A, p.Trp2096Ter (NM_001371656.1, NM_001374820.1); c.6248G>A, p.Trp2083Ter (NM_017519.3); short protein forms W1303*, W1942*, W2013*, W2053*, W2083*, W2096*, W2136*.
Identifiers: ClinVar variation 2431519 (VCV002431519.1), dbSNP rs2538782467, ClinGen allele CA366248209.
Genomic context (GRCh38, chr6:157,207,179, plus strand): 5'-AGACCTATGAGAAAGAGGAGGATGAGGACAAGGGGGTGGCCTGCAGCAAAGATGAGTGGT[G>A]GTGGGACTGCCTCGAGGTCTTGAGGGATAACACGTTGGTCACGTTGGCCAACATTTCCGG-3'

ClinVar aggregate classification (germline): Likely pathogenic (1 of 4 stars; one submission).

Conditions:
Coffin-Siris syndrome 1 (CSS1). Also called: Mental retardation, autosomal dominant 12; ARID1B-Related Coffin-Siris Syndrome. Identifiers: Orphanet 1465, MedGen C3281201, MONDO:0007617, OMIM 135900. Disease mechanism: gain of function.

Submission:

Laboratorio de Genetica e Diagnostico Molecular, Hospital Israelita Albert Einstein
Classification: Likely pathogenic for Coffin-Siris syndrome 1. Last evaluated: 2022-11-25. Review status: criteria provided, single submitter. Criteria: ACMG Guidelines, 2015. Collection method: clinical testing. Allele origin: germline. Affected: yes. Observed: 1 variant allele.
Comment: ACMG classification criteria: PVS1 strong, PM2 moderated